The following is an entry in ClinVar:

NM_017802.4(DNAAF5):c.2324A>G (p.Lys775Arg)

Gene: DNAAF5 (dynein axonemal assembly factor 5; plus strand). Cytogenetic location: 7p22.3.
Variant type: single nucleotide variant.
Coding change: c.2324A>G on transcript NM_017802.4 (MANE Select); coding-DNA position 2324, A replaced by G.
Protein change: p.Lys775Arg; replaces lysine 775 with arginine.
Molecular consequence: missense variant. On other transcripts: non-coding transcript variant (1).
Genome position (GRCh38, 1-based): chr7:780,037, A>G. VCF-style: chr7-780037-A-G. GRCh37 (hg19) VCF-style: chr7-819674-A-G.
Other names: short protein forms K775R.
Identifiers: ClinVar variation 1913968 (VCV001913968.4), dbSNP rs574013110, ClinGen allele CA4111162.
Genomic context (GRCh38, chr7:780,037, plus strand): 5'-TGTCCAACGATGTGAGGATGGCAGCCGCCTCCACCTTGGTCACCTGGCTGCAGTGTGTCA[A>G]GGGTGCCAACGCAAAATCCTACTATCAGAGCAGTGTCCAGTACCTGTACCGAGAGTTGCT-3'
Protein context (NP_060272.3, residues 765-785): STLVTWLQCV[Lys775Arg]GANAKSYYQS

ClinVar aggregate classification (germline): Uncertain significance (1 of 4 stars; one submission).

Conditions:
Primary ciliary dyskinesia. Also called: Ciliary dyskinesia. Identifiers: Orphanet 244, MedGen C0008780, MONDO:0016575, HP:0012265.

Allele frequency attached by ClinVar (database versions not stated): gnomAD exomes 0.00001; ExAC 0.00002; TOPMed 0.00002; gnomAD 0.00003; 1000 Genomes Project 0.00020; 1000 Genomes Project 30x 0.00031.
gnomAD v4.1: 19 of 1,614,200 alleles (0.0012%); highest among the groups gnomAD compares: African/African-American, 0.0027%; no homozygotes.

Submission:

Labcorp Genetics (formerly Invitae), Labcorp
Classification: Uncertain significance for Primary ciliary dyskinesia. Last evaluated: 2022-08-03. Review status: criteria provided, single submitter. Criteria: Invitae Variant Classification Sherloc (09022015). Collection method: clinical testing. Allele origin: germline.
Comment: In summary, the available evidence is currently insufficient to determine the role of this variant in disease. Therefore, it has been classified as a Variant of Uncertain Significance. Algorithms developed to predict the effect of missense changes on protein structure and function output the following: SIFT: "Tolerated"; PolyPhen-2: "Benign"; Align-GVGD: "Class C0". The arginine amino acid residue is found in multiple mammalian species, which suggests that this missense change does not adversely affect protein function. This variant has not been reported in the literature in individuals affected with DNAAF5-related conditions. This variant is present in population databases (rs574013110, gnomAD 0.002%). This sequence change replaces lysine, which is basic and polar, with arginine, which is basic and polar, at codon 775 of the DNAAF5 protein (p.Lys775Arg).